The following is an entry in ClinVar:

NM_000368.5(TSC1):c.285T>C (p.His95=)

Gene: TSC1 (TSC complex subunit 1; minus strand). Cytogenetic location: 9q34.13.
Variant type: single nucleotide variant.
Coding change: c.285T>C on transcript NM_000368.5 (MANE Select); coding-DNA position 285, T replaced by C.
Protein change: p.His95=; no amino-acid change (histidine 95 retained).
Molecular consequence: synonymous variant. On other transcripts: 5 prime UTR variant (18), non-coding transcript variant (5), intron variant (5).
Genome position (GRCh38, 1-based): chr9:132,925,665, A>G on the plus strand (T>C on the coding strand, the complement: TSC1 is on the minus strand). VCF-style: chr9-132925665-A-G. GRCh37 (hg19) VCF-style: chr9-135801052-A-G.
Other names: c.285T>C, p.His95= (NM_001406595.1, NM_001406596.1, NM_001406597.1 and 16 more transcripts); c.-171T>C (NM_001406614.1, NM_001406616.1, NM_001406624.1); c.-204T>C (NM_001406615.1, NM_001406623.1); c.-79T>C (NM_001406617.1, NM_001406618.1, NM_001406619.1 and 5 more transcripts); c.-593T>C (NM_001406626.1, NM_001406627.1, NM_001406628.1); c.-735T>C (NM_001406629.1); c.-809T>C (NM_001406630.1); c.210+1536T>C (NM_001406613.1, NM_001406612.1, NM_001406610.1 and 2 more transcripts).
Identifiers: ClinVar variation 4071265 (VCV004071265.2).

ClinVar aggregate classification (germline): Benign/Likely benign. Review status: criteria provided, multiple submitters, no conflicts (2 of 4 stars). 2 submissions from 2 submitters: Benign (1); Likely benign (1). Last evaluated 2026-05-08.

Conditions:
Tuberous sclerosis 1 (TSC1). Identifiers: Orphanet 805, MedGen C1854465, MONDO:0008612, OMIM 191100.
Hereditary cancer-predisposing syndrome. Also called: Neoplastic Syndromes, Hereditary; Tumor predisposition; Hereditary Cancer Syndrome; Hereditary neoplastic syndrome. Identifiers: Orphanet 140162, MedGen C0027672, MeSH D009386, MONDO:0015356.

Submissions (2):

Ambry Genetics
Classification: Likely benign for Hereditary cancer-predisposing syndrome. Last evaluated: 2026-05-08. Review status: criteria provided, single submitter. Criteria: Ambry Variant Classification Scheme 2023. Collection method: clinical testing. Allele origin: germline.

Myriad Genetics, Inc.
Classification: Benign for Tuberous sclerosis 1. Last evaluated: 2025-04-08. Review status: criteria provided, single submitter. Criteria: Myriad Autosomal Dominant, Autosomal Recessive and X-Linked Classification Criteria (2023). Collection method: clinical testing. Allele origin: unknown.
Comment: This variant is considered benign. This variant is a silent/synonymous amino acid change and it is not expected to impact splicing.